The following is an entry in ClinVar:

NM_012144.4(DNAI1):c.901+1G>A

Gene: DNAI1 (dynein axonemal intermediate chain 1; plus strand). Cytogenetic location: 9p13.3.
Variant type: single nucleotide variant.
Coding change: c.901+1G>A on transcript NM_012144.4 (MANE Select); the canonical splice donor site of the intron after coding-DNA position 901, G replaced by A.
Molecular consequence: splice donor variant.
Genome position (GRCh38, 1-based): chr9:34,497,200, G>A. VCF-style: chr9-34497200-G-A. GRCh37 (hg19) VCF-style: chr9-34497198-G-A.
Other names: c.913+1G>A (NM_001281428.2).
Identifiers: ClinVar variation 2977754 (VCV002977754.3), dbSNP rs908149058, ClinGen allele CA373251397.
Genomic context (GRCh38, chr9:34,497,200, plus strand): 5'-AAGCTGCTAAGATCATGGAGCGGATGGTCAACCAGAATACATATGATGACATTGCTCAAG[G>A]TAAGAGTTGAAGTTCTGGCAACCACTATTATTGCCTGTATTAAAAATTTCTCATAAAAGC-3'

ClinVar aggregate classification (germline): Likely pathogenic (1 of 4 stars; one submission).

Conditions:
Primary ciliary dyskinesia. Also called: Ciliary dyskinesia. Identifiers: Orphanet 244, MedGen C0008780, MONDO:0016575, HP:0012265.

gnomAD v4.1: 1 of 1,613,006 alleles (0.000062%); highest among the groups gnomAD compares: Non-Finnish European, 0.000085%; no homozygotes.

Submission:

Labcorp Genetics (formerly Invitae), Labcorp
Classification: Likely pathogenic for Primary ciliary dyskinesia. Last evaluated: 2023-10-18. Review status: criteria provided, single submitter. Criteria: Invitae Variant Classification Sherloc (09022015). Collection method: clinical testing. Allele origin: germline.
Comment: This sequence change affects a donor splice site in intron 10 of the DNAI1 gene. It is expected to disrupt RNA splicing. Variants that disrupt the donor or acceptor splice site typically lead to a loss of protein function (PMID: 16199547), and loss-of-function variants in DNAI1 are known to be pathogenic (PMID: 16858015, 29363216). This variant is not present in population databases (gnomAD no frequency). This variant has not been reported in the literature in individuals affected with DNAI1-related conditions. Algorithms developed to predict the effect of sequence changes on RNA splicing suggest that this variant may disrupt the consensus splice site. In summary, the currently available evidence indicates that the variant is pathogenic, but additional data are needed to prove that conclusively. Therefore, this variant has been classified as Likely Pathogenic.

Literature cited by the submitters: PubMed 16199547; PubMed 16858015; PubMed 29363216.